The following is an entry in ClinVar:

NM_003803.4(MYOM1):c.199T>G (p.Ser67Ala)

Gene: MYOM1 (myomesin 1; minus strand). Cytogenetic location: 18p11.31.
Variant type: single nucleotide variant.
Coding change: c.199T>G on transcript NM_003803.4 (MANE Select); coding-DNA position 199, T replaced by G.
Protein change: p.Ser67Ala; replaces serine 67 with alanine.
Molecular consequence: missense variant.
Genome position (GRCh38, 1-based): chr18:3,215,025, A>C on the plus strand (T>G on the coding strand, the complement: MYOM1 is on the minus strand). VCF-style: chr18-3215025-A-C. GRCh37 (hg19) VCF-style: chr18-3215023-A-C.
Other names: c.199T>G, p.Ser67Ala (NM_019856.2); short protein forms S67A.
Identifiers: ClinVar variation 848396 (VCV000848396.9), dbSNP rs373871002, ClinGen allele CA8875326.
Genomic context (GRCh38, chr18:3,215,025, plus strand): 5'-CTGCCTTCCGACTGACTTCAGAGCTCAGGGCGTGCTGCGAGGCCTGCTGCTGGGAGGAGG[A>C]GGCGGACGCCCGACGGAAGGCCTCGGACTCCCGGCGGTGCGCGGCGGAGGAGCGGCTGCT-3'
Protein context (NP_003794.3, residues 57-77): ESEAFRRASA[Ser67Ala]SSQQQASQHA

ClinVar aggregate classification (germline): Uncertain significance (1 of 4 stars; one submission).

Conditions:
Hypertrophic cardiomyopathy. Also called: HYPERTROPHIC MYOCARDIOPATHY. Identifiers: Orphanet 217569, MedGen C0007194, MeSH D002312, MONDO:0005045, HP:0001639.

Allele frequency attached by ClinVar (database versions not stated): ExAC 0.00003; TOPMed 0.00001; gnomAD exomes 0.00002; ESP Exome Variant Server 0.00008.
gnomAD v4.1: 24 of 1,612,278 alleles (0.0015%); highest among the groups gnomAD compares: East Asian, 0.0045%; no homozygotes.

Submission:

Labcorp Genetics (formerly Invitae), Labcorp
Classification: Uncertain significance for Hypertrophic cardiomyopathy. Last evaluated: 2019-05-03. Review status: criteria provided, single submitter. Criteria: Invitae Variant Classification Sherloc (09022015). Collection method: clinical testing. Allele origin: germline.
Comment: In summary, the available evidence is currently insufficient to determine the role of this variant in disease. Therefore, it has been classified as a Variant of Uncertain Significance. Algorithms developed to predict the effect of missense changes on protein structure and function output the following: SIFT: "Tolerated"; PolyPhen-2: "Benign"; Align-GVGD: "Class C0". The alanine amino acid residue is found in multiple mammalian species, suggesting that this missense change does not adversely affect protein function. These predictions have not been confirmed by published functional studies and their clinical significance is uncertain. This variant has not been reported in the literature in individuals with MYOM1-related conditions. This variant is present in population databases (rs373871002, ExAC 0.006%). This sequence change replaces serine with alanine at codon 67 of the MYOM1 protein (p.Ser67Ala). The serine residue is weakly conserved and there is a moderate physicochemical difference between serine and alanine.